The following is an entry in ClinVar:

GRCh37/hg19 5q31.2(chr5:137754277-138994590)x1

Genes: CTNNA1 (catenin alpha 1; plus strand), DNAJC18 (DnaJ heat shock protein family (Hsp40) member C18; minus strand), ECSCR (endothelial cell surface expressed chemotaxis and apoptosis regulator; minus strand), EGR1 (early growth response 1; plus strand), ETF1 (eukaryotic translation termination factor 1; minus strand) and 14 more. Cytogenetic location: 5q31.2.
Variant type: copy number loss.
Change: copy number 1 (one copy instead of two) of chr5:137,754,277-138,994,590 (1.24 Mb, GRCh37 coordinates, 1-based), cytogenetic band 5q31.2.
Identifiers: ClinVar variation 988915 (VCV000988915.4).

ClinVar aggregate classification (germline): Likely pathogenic (1 of 4 stars; one submission).

Submission:

Illumina Laboratory Services, Illumina
Classification: Likely pathogenic. Last evaluated: 2019-09-04. Review status: criteria provided, single submitter. Criteria: ICSL CNVClassificationCriteria Aug2020. Collection method: clinical testing. Allele origin: unknown.
Comment: This CNV is a 1.2 Mb deletion of 5q31.2, on chromosome 5, (seq[GRCh37]del(5)(q31.2); chr5:g.137754277_138994590del), of unknown inheritance. This CNV constitutes a loss encompassing 22 genes that has not been reported in controls. Similar CNVs have been reported in two individuals with developmental delay and delayed speech. Based on the available evidence, this CNV is classified as likely pathogenic.

Literature cited by the submitters: PubMed 17506096; PubMed 23326251.